The following is an entry in ClinVar:

ClinVar aggregate classification (germline): Conflicting classifications of pathogenicity. Review status: criteria provided, conflicting classifications (1 of 4 stars). 3 submissions from 3 submitters: Uncertain significance (2); Likely benign (1). Last evaluated 2024-06-29.

Conditions:
Developmental delay, hypotonia, musculoskeletal defects, and behavioral abnormalities. Identifiers: MedGen C5562012, MONDO:0859202, OMIM 619595.
Floating-Harbor syndrome (FLHS). Also called: SRCAP-Related Floating-Harbor Syndrome; Short stature with delayed bone age, expressive language delay, a triangular face with a prominent nose and deep-set eyes; Pelletier-Leisti syndrome. Identifiers: Orphanet 2044, MedGen C0729582, MONDO:0007621, OMIM 136140.
Inborn genetic diseases. Identifiers: MedGen C0950123, MeSH D030342.

Allele frequency attached by ClinVar (database versions not stated): gnomAD 0.00001; TOPMed 0.00004; ExAC 0.00005.
gnomAD v4.1: 38 of 1,614,072 alleles (0.0024%); highest among the groups gnomAD compares: South Asian, 0.022%; no homozygotes.

Submissions (3):

Labcorp Genetics (formerly Invitae), Labcorp
Classification: Uncertain significance. Last evaluated: 2024-06-29. Review status: criteria provided, single submitter. Criteria: Invitae Variant Classification Sherloc (09022015). Collection method: clinical testing. Allele origin: germline.
Comment: This sequence change replaces serine, which is neutral and polar, with threonine, which is neutral and polar, at codon 75 of the SRCAP protein (p.Ser75Thr). This variant is present in population databases (rs751863851, gnomAD 0.02%). This variant has not been reported in the literature in individuals affected with SRCAP-related conditions. ClinVar contains an entry for this variant (Variation ID: 2536385). Advanced modeling of protein sequence and biophysical properties (such as structural, functional, and spatial information, amino acid conservation, physicochemical variation, residue mobility, and thermodynamic stability) performed at Invitae indicates that this missense variant is not expected to disrupt SRCAP protein function with a negative predictive value of 80%. In summary, the available evidence is currently insufficient to determine the role of this variant in disease. Therefore, it has been classified as a Variant of Uncertain Significance.

Fulgent Genetics
Classification: Likely benign for Floating-Harbor syndrome; Developmental delay, hypotonia, musculoskeletal defects, and behavioral abnormalities. Last evaluated: 2024-04-04. Review status: criteria provided, single submitter. Criteria: ACMG Guidelines, 2015. Collection method: clinical testing. Allele origin: germline.

Ambry Genetics
Classification: Uncertain significance for Inborn genetic diseases. Last evaluated: 2023-04-12. Review status: criteria provided, single submitter. Criteria: Ambry Variant Classification Scheme 2023. Collection method: clinical testing. Allele origin: germline.

NM_006662.3(SRCAP):c.224G>C (p.Ser75Thr)

Gene: SRCAP (Snf2 related CREBBP activator protein; plus strand). Cytogenetic location: 16p11.2.
Variant type: single nucleotide variant.
Coding change: c.224G>C on transcript NM_006662.3 (MANE Select); coding-DNA position 224, G replaced by C.
Protein change: p.Ser75Thr; replaces serine 75 with threonine.
Molecular consequence: missense variant.
Genome position (GRCh38, 1-based): chr16:30,704,233, G>C. VCF-style: chr16-30704233-G-C. GRCh37 (hg19) VCF-style: chr16-30715554-G-C.
Other names: short protein forms S75T.
Identifiers: ClinVar variation 2536385 (VCV002536385.5), dbSNP rs751863851, ClinGen allele CA8010616.
Genomic context (GRCh38, chr16:30,704,233, plus strand): 5'-CCTCACTGGATGGACCTCCAGGCCCCCCAGATGGTGCCACAGTGCCCCTGGAGGGGTTCA[G>C]CTTATCCCAGGCTGCTGACCTGGCTAACAAGGGCCCGAAGTGGGAGAAGAGCCATGCCGA-3'
Protein context (NP_006653.2, residues 65-85): DGATVPLEGF[Ser75Thr]LSQAADLANK